The following is an entry in ClinVar:

ClinVar aggregate classification (germline): Likely pathogenic (1 of 4 stars; one submission).

Conditions:
Familial cancer of breast. Also called: hereditary breast carcinoma; Hereditary breast cancer; BREAST CANCER, FAMILIAL. Identifiers: Orphanet 227535, MedGen C0346153, MONDO:0016419, OMIM 114480. Disease mechanism: loss of function.

Submission:

Labcorp Genetics (formerly Invitae), Labcorp
Classification: Likely pathogenic for Familial cancer of breast. Last evaluated: 2022-10-05. Review status: criteria provided, single submitter. Criteria: Invitae Variant Classification Sherloc (09022015). Collection method: clinical testing. Allele origin: germline.
Comment: This variant is a gross deletion of the genomic region encompassing exon(s) 7 of the PALB2 gene. This variant would be expected to be in-frame, preserving the integrity of the reading frame. A similar copy number variant has been observed in individual(s) with breast cancer (PMID: 26681312). This variant disrupts the WD40-like repeats of the PALB2 protein, which are required for interactions with the BRCA2, POLH, and RAD51C proteins (PMID: 24141787, 24485656). While functional studies have not been performed to directly test the effect of this variant on PALB2 protein function, this suggests that disruption of this region of the protein is causative of disease. In summary, the currently available evidence indicates that the variant is pathogenic, but additional data are needed to prove that conclusively. Therefore, this variant has been classified as Likely Pathogenic.

Literature cited by the submitters: PubMed 26681312; PubMed 24141787; PubMed 24485656.

NC_000016.9:g.(?_23637547)_(23637728_?)del

Gene: PALB2 (partner and localizer of BRCA2; minus strand). Cytogenetic location: 16p12.2.
Variant type: Deletion.
Identifiers: ClinVar variation 1066540 (VCV001066540.6).